The following is an entry in ClinVar:

ClinVar aggregate classification (germline): Uncertain significance. Review status: criteria provided, multiple submitters, no conflicts (2 of 4 stars). 3 submissions from 3 submitters: Uncertain significance (3). Last evaluated 2026-08-26.

Conditions:
Brugada syndrome. Also called: Sudden unexplained nocturnal death syndrome; Sudden unexpected nocturnal death syndrome; Sudden Unexplained Death Syndrome; Sudden Unexplained Nocturnal Death Syndrome (SUNDS). Identifiers: Orphanet 130, MedGen C1142166, MONDO:0015263.
Cardiovascular phenotype. Identifiers: MedGen CN230736.
SCN10A-related disorder. Also called: SCN10A-related condition.

Allele frequency attached by ClinVar (database versions not stated): gnomAD 0.00001; TOPMed 0.00002.

Submissions (3):

PreventionGenetics, part of Exact Sciences
Classification: Uncertain significance for SCN10A-related condition. Last evaluated: 2026-08-26. Review status: criteria provided, single submitter. Criteria: ACMG Guidelines, 2015. Collection method: clinical testing. Allele origin: germline.
Comment: The SCN10A c.1981C>T variant is predicted to result in the amino acid substitution p.Leu661Phe. To our knowledge, this variant has not been reported in the literature or in a large population database (gnomAD), indicating this variant is rare. At this time, the clinical significance of this variant is uncertain due to the absence of conclusive functional and genetic evidence.

Ambry Genetics
Classification: Uncertain significance for Cardiovascular phenotype. Last evaluated: 2024-12-21. Review status: criteria provided, single submitter. Criteria: Ambry Variant Classification Scheme 2023. Collection method: clinical testing. Allele origin: germline.
Comment: The p.L661F variant (also known as c.1981C>T), located in coding exon 13 of the SCN10A gene, results from a C to T substitution at nucleotide position 1981. The leucine at codon 661 is replaced by phenylalanine, an amino acid with highly similar properties. This amino acid position is poorly conserved in available vertebrate species. In addition, this alteration is predicted to be tolerated by in silico analysis. Since supporting evidence is limited at this time, the clinical significance of this alteration remains unclear.

Labcorp Genetics (formerly Invitae), Labcorp
Classification: Uncertain significance for Brugada syndrome. Last evaluated: 2022-04-11. Review status: criteria provided, single submitter. Criteria: Invitae Variant Classification Sherloc (09022015). Collection method: clinical testing. Allele origin: germline.
Comment: This sequence change replaces leucine, which is neutral and non-polar, with phenylalanine, which is neutral and non-polar, at codon 661 of the SCN10A protein (p.Leu661Phe). This variant is not present in population databases (gnomAD no frequency). This variant has not been reported in the literature in individuals affected with SCN10A-related conditions. Advanced modeling of protein sequence and biophysical properties (such as structural, functional, and spatial information, amino acid conservation, physicochemical variation, residue mobility, and thermodynamic stability) performed at Invitae indicates that this missense variant is not expected to disrupt SCN10A protein function. In summary, the available evidence is currently insufficient to determine the role of this variant in disease. Therefore, it has been classified as a Variant of Uncertain Significance.

NM_006514.4(SCN10A):c.1981C>T (p.Leu661Phe)

Gene: SCN10A (sodium voltage-gated channel alpha subunit 10; minus strand). Cytogenetic location: 3p22.2.
Variant type: single nucleotide variant.
Coding change: c.1981C>T on transcript NM_006514.4 (MANE Select); coding-DNA position 1981, C replaced by T.
Protein change: p.Leu661Phe; replaces leucine 661 with phenylalanine.
Molecular consequence: missense variant.
Genome position (GRCh38, 1-based): chr3:38,742,416, G>A on the plus strand (C>T on the coding strand, the complement: SCN10A is on the minus strand). VCF-style: chr3-38742416-G-A. GRCh37 (hg19) VCF-style: chr3-38783907-G-A.
Other names: c.1981C>T, p.Leu661Phe (NM_001293306.2); c.1687C>T, p.Leu563Phe (NM_001293307.2); c.1981C>T (NM_006514.3); short protein forms L661F, L563F.
Identifiers: ClinVar variation 1783816 (VCV001783816.7), dbSNP rs868367483, ClinGen allele CA72977341.
Genomic context (GRCh38, chr3:38,742,416, plus strand): 5'-AGATGGTGTTCACCACGATGCACAAGGTGATGGTGAGCTCTGCAAAGGGATCCGTCACAA[G>A]CCCAAAGAGAATTGTCTTGAGCTTCACCCACATGGGGCAGCAATCCCAGATCAGATACTT-3'
Protein context (NP_006505.4, residues 651-671): WVKLKTILFG[Leu661Phe]VTDPFAELTI